The following is an entry in ClinVar:

ClinVar aggregate classification (germline): Uncertain significance (1 of 4 stars; one submission).

Conditions:
Holoprosencephaly 9 (HPE9). Also called: HOLOPROSENCEPHALY WITH MICROPHTHALMIA AND FIRST BRANCHIAL ARCH ANOMALIES; PITUITARY ANOMALIES WITH HOLOPROSENCEPHALY-LIKE FEATURES. Identifiers: Orphanet 2162, MedGen C1835819, MONDO:0012563, OMIM 610829.
Postaxial polydactyly-anterior pituitary anomalies-facial dysmorphism syndrome. Also called: Culler-Jones syndrome. Identifiers: Orphanet 420584, MedGen C4014479, MONDO:0014369, OMIM 615849.

Allele frequency attached by ClinVar (database versions not stated): gnomAD 0.00002; TOPMed 0.00002; ExAC 0.00003; 1000 Genomes Project 30x 0.00016; 1000 Genomes Project 0.00020.
gnomAD v4.1: 5 of 1,613,072 alleles (0.00031%); highest among the groups gnomAD compares: Non-Finnish European, 0.00042%; no homozygotes.

Submission:

Labcorp Genetics (formerly Invitae), Labcorp
Classification: Uncertain significance for Postaxial polydactyly-anterior pituitary anomalies-facial dysmorphism syndrome; Holoprosencephaly 9. Last evaluated: 2022-10-09. Review status: criteria provided, single submitter. Criteria: Invitae Variant Classification Sherloc (09022015). Collection method: clinical testing. Allele origin: germline.
Comment: This variant is present in population databases (rs150434714, gnomAD 0.005%). This sequence change replaces valine, which is neutral and non-polar, with isoleucine, which is neutral and non-polar, at codon 1318 of the GLI2 protein (p.Val1318Ile). This variant has not been reported in the literature in individuals affected with GLI2-related conditions. In summary, the available evidence is currently insufficient to determine the role of this variant in disease. Therefore, it has been classified as a Variant of Uncertain Significance. Advanced modeling of protein sequence and biophysical properties (such as structural, functional, and spatial information, amino acid conservation, physicochemical variation, residue mobility, and thermodynamic stability) performed at Invitae indicates that this missense variant is not expected to disrupt GLI2 protein function.

NM_001374353.1(GLI2):c.3901G>A (p.Val1301Ile)

Gene: GLI2 (GLI family zinc finger 2; plus strand). Cytogenetic location: 2q14.2.
Variant type: single nucleotide variant.
Coding change: c.3901G>A on transcript NM_001374353.1 (MANE Select); coding-DNA position 3901, G replaced by A.
Protein change: p.Val1301Ile; replaces valine 1301 with isoleucine.
Molecular consequence: missense variant.
Genome position (GRCh38, 1-based): chr2:120,989,866, G>A. VCF-style: chr2-120989866-G-A. GRCh37 (hg19) VCF-style: chr2-121747442-G-A.
Other names: c.3952G>A, p.Val1318Ile (NM_001371271.1, NM_005270.5); c.3526G>A, p.Val1176Ile (NM_001374354.1); short protein forms V1301I, V1318I, V1176I.
Identifiers: ClinVar variation 2933553 (VCV002933553.3), dbSNP rs150434714, ClinGen allele CA1852518.
Genomic context (GRCh38, chr2:120,989,866, plus strand): 5'-CGCCACAGGGAACTTGGGGTCCCCGATTCAGCCCTGGCTGGAGTGCCACCACCTCACCCA[G>A]TCCAGAGCTACCCACAGCAGAGCCATCACCTGGCAGCCTCCATGAGCCAGGAGGGCTACC-3'
Protein context (NP_001361282.1, residues 1291-1311): ALAGVPPPHP[Val1301Ile]QSYPQQSHHL